The following is an entry in ClinVar:

NM_006096.4(NDRG1):c.559C>G (p.Leu187Val)

Gene: NDRG1 (N-myc downstream regulated 1; minus strand). Cytogenetic location: 8q24.22.
Variant type: single nucleotide variant.
Coding change: c.559C>G on transcript NM_006096.4 (MANE Select); coding-DNA position 559, C replaced by G.
Protein change: p.Leu187Val; replaces leucine 187 with valine.
Molecular consequence: missense variant.
Genome position (GRCh38, 1-based): chr8:133,254,574, G>C on the plus strand (C>G on the coding strand, the complement: NDRG1 is on the minus strand). VCF-style: chr8-133254574-G-C. GRCh37 (hg19) VCF-style: chr8-134266817-G-C.
Other names: c.559C>G, p.Leu187Val (NM_001135242.2, NM_001374845.1, NM_001374846.1); c.361C>G, p.Leu121Val (NM_001258432.2, NM_001374847.1); c.316C>G, p.Leu106Val (NM_001258433.2); c.610C>G, p.Leu204Val (NM_001374844.1); short protein forms L106V, L121V, L187V, L204V.
Identifiers: ClinVar variation 1525194 (VCV001525194.3), dbSNP rs746650111, ClinGen allele CA4886689.

ClinVar aggregate classification (germline): Uncertain significance (1 of 4 stars; one submission).

Conditions:
Charcot-Marie-Tooth disease type 4. Also called: Charcot-Marie-Tooth, Type 4; Charcot-Marie-Tooth disease, type IV. Identifiers: Orphanet 64749, MedGen C4082197, MONDO:0018995.

Allele frequency attached by ClinVar (database versions not stated): gnomAD exomes 0.00001; TOPMed below 0.00001; ExAC 0.00001.
gnomAD v4.1: 4 of 1,614,126 alleles (0.00025%); highest among the groups gnomAD compares: Admixed American, 0.005%; no homozygotes.

Submission:

Labcorp Genetics (formerly Invitae), Labcorp
Classification: Uncertain significance for Charcot-Marie-Tooth disease type 4. Last evaluated: 2022-05-22. Review status: criteria provided, single submitter. Criteria: Invitae Variant Classification Sherloc (09022015). Collection method: clinical testing. Allele origin: germline.
Comment: This sequence change replaces leucine, which is neutral and non-polar, with valine, which is neutral and non-polar, at codon 187 of the NDRG1 protein (p.Leu187Val). This variant is present in population databases (rs746650111, gnomAD 0.006%). This variant has not been reported in the literature in individuals affected with NDRG1-related conditions. Algorithms developed to predict the effect of missense changes on protein structure and function are either unavailable or do not agree on the potential impact of this missense change (SIFT: "Tolerated"; PolyPhen-2: "Possibly Damaging"; Align-GVGD: "Class C0"). In summary, the available evidence is currently insufficient to determine the role of this variant in disease. Therefore, it has been classified as a Variant of Uncertain Significance.